The following is an entry in ClinVar:

NM_001184880.2(PCDH19):c.1952dup (p.Leu652fs)

Gene: PCDH19 (protocadherin 19; minus strand). Cytogenetic location: Xq22.1.
Variant type: Duplication.
Coding change: c.1952dup on transcript NM_001184880.2 (MANE Select); coding-DNA position 1952, one base duplicated (C; older notation c.1952dupC).
Protein change: p.Leu652fs; shifts the reading frame from leucine 652.
Molecular consequence: frameshift variant.
Genome position (GRCh38, 1-based): chrX:100,406,646, G duplicated on the plus strand (C on the coding strand, the reverse complement: PCDH19 is on the minus strand). VCF-style (leftmost placement, unchanged base first): chrX-100406645-A-AG. GRCh37 (hg19) VCF-style: chrX-99661643-A-AG.
Other names: c.1952dup, p.Leu652fs (NM_001105243.2, NM_020766.3); short protein forms L652fs.
Identifiers: ClinVar variation 206358 (VCV000206358.2), dbSNP rs796052834, ClinGen allele CA316407.
Genomic context (GRCh38, chrX:100,406,645, plus strand): 5'-TGACTCTTGGGCATCGAGAGCAGGGGACAAGTAGATTAGGACGAGAGCAGAGGCAGAGAG[A>AG]GATGTCTTGCCGTGGTCGTGAGCCACCACGATAAGCTCATAGGAGGACTTGGAGCTCTCC-3'

ClinVar aggregate classification (germline): Pathogenic (1 of 4 stars; one submission).

Submission:

GeneDx
Classification: Pathogenic. Last evaluated: 2017-03-02. Review status: criteria provided, single submitter. Criteria: GeneDx Variant Classification (06012015). Collection method: clinical testing. Allele origin: germline. Affected: yes.
Comment: The c.1952dupC pathogenic variant in the PCDH19 gene causes a frameshift starting with codon Leucine 652, changes this amino acid to a Serine residue and creates a premature Stop codon at position 68 of the new reading frame, denoted p.Leu652SerfsX68. This variant is predicted to cause loss of normal protein function either through protein truncation or nonsense-mediated mRNA decay. Although this pathogenic variant has not been previously reported to our knowledge, its presence is consistent with a diagnosis of a PCDH19-related disorder.